The following is an entry in ClinVar:

ClinVar aggregate classification (germline): Conflicting classifications of pathogenicity. Review status: criteria provided, conflicting classifications (1 of 4 stars). 11 submissions from 11 submitters: Likely pathogenic (7); Uncertain significance (2). 2 of the submissions do not count toward it. Last evaluated 2026-07-16.

Conditions:
Inborn genetic diseases. Identifiers: MedGen C0950123, MeSH D030342.
Smith-Lemli-Opitz syndrome (SLOS). Also called: RSH SYNDROME; RUTLEDGE LETHAL MULTIPLE CONGENITAL ANOMALY SYNDROME; LETHAL ACRODYSGENITAL SYNDROME; POLYDACTYLY, SEX REVERSAL, RENAL HYPOPLASIA, AND UNILOBAR LUNG; 7-Dehydrocholesterol reductase deficiency. Identifiers: Orphanet 818, MedGen C0175694, MONDO:0010035, OMIM 270400.
DHCR7-related disorder. Also called: DHCR7-related condition.

Allele frequency attached by ClinVar (database versions not stated): ExAC 0.00002; gnomAD exomes 0.00002 and 0.00003; gnomAD 0.00003; TOPMed 0.00003; 1000 Genomes Project 0.00020; 1000 Genomes Project 30x 0.00031.
gnomAD v4.1: 46 of 1,613,806 alleles (0.0029%); highest among the groups gnomAD compares: Middle Eastern, 0.016%; no homozygotes.

Submissions (11):

Ambry Genetics
Classification: Likely pathogenic for Inborn genetic diseases. Last evaluated: 2026-07-16. Review status: criteria provided, single submitter. Criteria: Ambry Variant Classification Scheme 2023. Collection method: clinical testing. Allele origin: germline.
Comment: The c.862G>A (p.E288K) alteration is located in exon 8 (coding exon 6) of the DHCR7 gene. This alteration results from a G to A substitution at nucleotide position 862, causing the glutamic acid (E) at amino acid position 288 to be replaced by a lysine (K). Based on data from gnomAD, the A allele has an overall frequency of 0.002% (4/251000) total alleles studied. The highest observed frequency was 0.006% (2/34576) of Latino alleles. This variant has been identified in the homozygous state and/or in conjunction with other DHCR7 variant(s) in individual(s) with features consistent with Smith-Lemli-Opitz syndrome; in at least one instance, the variants were identified in trans (Romano, 2005; Ambry internal data). This amino acid position is highly conserved in available vertebrate species. This alteration is predicted to be deleterious by in silico analysis. Based on the available evidence, this alteration is classified as likely pathogenic.

Natera, Inc.
Classification: Likely pathogenic for Smith-Lemli-Opitz syndrome. Last evaluated: 2025-11-25. Review status: criteria provided, single submitter. Criteria: Natera Variant Classification Schema (03/2026). Collection method: clinical testing. Allele origin: germline.
Comment: The c.862G>A variant in DHCR7 is a missense variant predicted to cause substitution of glutamic acid to lysine at amino acid 288. This variant is rare in the general population with a frequency below the threshold expected for the associated phenotype(s). This variant has been observed in one or more individuals affected with the associated recessive disease, as either homozygous or compound heterozygous with a second variant (PMID: 39502218, 16392899). This variant has been identified in one or more affected individuals with a phenotype highly consistent with the associated gene (PMID: 39502218). Computational prediction algorithms indicate this variant is likely to affect gene or protein function. Given the available evidence, this variant is classified as Likely Pathogenic.

Labcorp Genetics (formerly Invitae), Labcorp
Classification: Likely pathogenic for Smith-Lemli-Opitz syndrome. Last evaluated: 2025-09-24. Review status: criteria provided, single submitter. Criteria: Invitae Variant Classification Sherloc (09022015). Collection method: clinical testing. Allele origin: germline.
Comment: This sequence change replaces glutamic acid, which is acidic and polar, with lysine, which is basic and polar, at codon 288 of the DHCR7 protein (p.Glu288Lys). This variant is present in population databases (rs565893436, gnomAD 0.006%). This missense change has been observed in individual(s) with Smith–Lemli–Opitz syndrome (PMID: 16392899). ClinVar contains an entry for this variant (Variation ID: 500764). Invitae Evidence Modeling of protein sequence and biophysical properties (such as structural, functional, and spatial information, amino acid conservation, physicochemical variation, residue mobility, and thermodynamic stability) indicates that this missense variant is expected to disrupt DHCR7 protein function with a positive predictive value of 95%. In summary, the currently available evidence indicates that the variant is pathogenic, but additional data are needed to prove that conclusively. Therefore, this variant has been classified as Likely Pathogenic.

Blueprint Genetics
Classification: Uncertain significance. Last evaluated: 2024-10-04. Review status: criteria provided, single submitter. Criteria: ACMG Guidelines, 2015. Collection method: clinical testing. Allele origin: germline.

Fulgent Genetics
Classification: Likely pathogenic for Smith-Lemli-Opitz syndrome. Last evaluated: 2024-06-17. Review status: criteria provided, single submitter. Criteria: ACMG Guidelines, 2015. Collection method: clinical testing. Allele origin: germline.

Laboratory of Medical Genetics, National & Kapodistrian University of Athens
Classification: Likely pathogenic for Smith-Lemli-Opitz syndrome. Last evaluated: 2024-02-01. Review status: criteria provided, single submitter. Criteria: ACMG Guidelines, 2015. Collection method: curation. Allele origin: germline. Affected: no.

Women's Health and Genetics/Laboratory Corporation of America, LabCorp
Classification: Likely pathogenic for Smith-Lemli-Opitz syndrome. Last evaluated: 2023-05-08. Review status: criteria provided, single submitter. Criteria: LabCorp Variant Classification Summary - May 2015. Collection method: clinical testing. Allele origin: germline.
Comment: Variant summary: DHCR7 c.862G>A (p.Glu288Lys) results in a conservative amino acid change located in the Transmembrane region (Peng_2018) of the encoded protein sequence. Four of five in-silico tools predict a damaging effect of the variant on protein function. A recent study using computational investigation to model the effect on protein and make predictions on SLOS phenotype based on structural and conservation properties reported this variant among Pathogenic alterations in the DHCR7 gene based on lower Relative solvent accesible surface area (rSASA), and higher evolutionary conservation (EC) compared with non-pathogenic variants (example, Peng_2018). This supports the notion of a critical amino acid residue essential for protein function. The variant allele was found at a frequency of 1.6e-05 in 251000 control chromosomes. c.862G>A has been reported in the literature as a compound heterozygous genotype in at-least one individual affected with Smith-Lemli-Opitz Syndrome while an earlier mutational update lists this variant among mutations in patients with Smith-Lemli-Opitz Syndrome without specifying a genotype/zygosity (example, Romano_2005, Witsch-Baumgartner_2001). To our knowledge, no experimental evidence demonstrating an impact on protein function has been reported. The following publications have been ascertained in the context of this evaluation (PMID: 29300326, 16392899, 11241839). Six clinical diagnostic laboratories have submitted clinical-significance assessments for this variant to ClinVar after 2014 (LP, n=2; VUS, n=4). Based on the evidence outlined above, the variant was classified as likely pathogenic.

Eurofins Ntd Llc (ga)
Classification: Uncertain significance. Last evaluated: 2017-03-07. Review status: criteria provided, single submitter. Criteria: EGL Classification Definitions 2015. Collection method: clinical testing. Allele origin: germline. Observed: 1 variant allele, 1 heterozygote.

Juno Genomics, Hangzhou Juno Genomics, Inc
Classification: Likely pathogenic for Smith-Lemli-Opitz syndrome. Review status: criteria provided, single submitter. Criteria: ACMG Guidelines, 2015. Collection method: clinical testing. Allele origin: germline.
Comment: Absent from controls (or at extremely low frequency if recessive) in Genome Aggregation Database.;Multiple lines of computational evidence support a deleterious effect on the gene or gene product.;For recessive disorders, detected in trans with a pathogenic variant.;Patient's phenotype or family history is highly specific for a disease with a single genetic etiology.

PreventionGenetics, part of Exact Sciences
Classification: Likely pathogenic for DHCR7-related condition. Last evaluated: 2024-09-17. Review status: no assertion criteria provided. Collection method: clinical testing. Allele origin: germline. Not counted in ClinVar's aggregate classification.
Comment: The DHCR7 c.862G>A variant is predicted to result in the amino acid substitution p.Glu288Lys. This variant has been reported in a cohort of individuals with Smith-Lemli-Opitz syndrome, though no additional information was provided on variant zygosity or patient genotype (Witsch-Baumgartner et al. 2001. PubMed ID: 11241839). It was also reported in the compound heterozygous state with a second DHCR7 variant (p.Ile251Asn) in an individual with Smith-Lemli Opitz syndrome (Romano et al. 2005. PubMed ID: 16392899). This variant is reported in 0.0058% of alleles in individuals of Latino descent in gnomAD. This variant is interpreted as likely pathogenic.

Counsyl
Classification: Likely pathogenic for Smith-Lemli-Opitz syndrome. Last evaluated: 2018-04-20. Review status: no assertion criteria provided. Collection method: clinical testing. Allele origin: unknown. Not counted in ClinVar's aggregate classification.

Literature cited by the submitters: PubMed 11241839 (cited by 3 submitters); PubMed 16392899 (cited by 5 submitters); PubMed 20301322 (cited by Ambry Genetics); PubMed 29300326 (cited by Ambry Genetics and Women's Health and Genetics/Laboratory Corporation of America, LabCorp); PubMed 39502218 (cited by Natera, Inc.).

NM_001360.3(DHCR7):c.862G>A (p.Glu288Lys)

Gene: DHCR7 (7-dehydrocholesterol reductase; minus strand). Cytogenetic location: 11q13.4.
Variant type: single nucleotide variant.
Coding change: c.862G>A on transcript NM_001360.3 (MANE Select); coding-DNA position 862, G replaced by A.
Protein change: p.Glu288Lys; replaces glutamic acid 288 with lysine.
Molecular consequence: missense variant.
Genome position (GRCh38, 1-based): chr11:71,437,913, C>T on the plus strand (G>A on the coding strand, the complement: DHCR7 is on the minus strand). VCF-style: chr11-71437913-C-T. GRCh37 (hg19) VCF-style: chr11-71148959-C-T.
Other names: c.862G>A, p.Glu288Lys (NM_001163817.2); short protein forms E288K.
Identifiers: ClinVar variation 500764 (VCV000500764.33), dbSNP rs565893436, ClinGen allele CA6162412.
Genomic context (GRCh38, chr11:71,437,913, plus strand): 5'-AGCCCAGGTACCACCCGAAGTGGTCATGGCAGATGTCAATGGTCTTCAGGTACCAGGTTT[C>T]GTTCCAGAAGAAGTCAATCACGTAGATGGCCTGCAAGACAGAAGCAGCCGCTGACCACCC-3'
Protein context (NP_001351.2, residues 278-298): AIYVIDFFWN[Glu288Lys]TWYLKTIDIC